The following is an entry in ClinVar:

ClinVar aggregate classification (germline): Uncertain significance (1 of 4 stars; one submission).

Allele frequency attached by ClinVar (database versions not stated): gnomAD exomes below 0.00001; ExAC 0.00001; gnomAD 0.00002; TOPMed 0.00002.

Submission:

Labcorp Genetics (formerly Invitae), Labcorp
Classification: Uncertain significance. Last evaluated: 2025-08-04. Review status: criteria provided, single submitter. Criteria: Invitae Variant Classification Sherloc (09022015). Collection method: clinical testing. Allele origin: germline.
Comment: This sequence change replaces arginine, which is basic and polar, with glutamine, which is neutral and polar, at codon 679 of the SORL1 protein (p.Arg679Gln). This variant is present in population databases (rs762878538, gnomAD 0.003%). This missense change has been observed in individual(s) with Alzheimer disease (PMID: 28537274). ClinVar contains an entry for this variant (Variation ID: 1369509). An algorithm developed to predict the effect of missense changes on protein structure and function (PolyPhen-2) suggests that this variant is likely to be disruptive. In summary, the available evidence is currently insufficient to determine the role of this variant in disease. Therefore, it has been classified as a Variant of Uncertain Significance.

Literature cited by the submitters: PubMed 28537274.

NM_003105.6(SORL1):c.2036G>A (p.Arg679Gln)

Gene: SORL1 (sortilin related receptor 1; plus strand). Cytogenetic location: 11q24.1.
Variant type: single nucleotide variant.
Coding change: c.2036G>A on transcript NM_003105.6 (MANE Select); coding-DNA position 2036, G replaced by A.
Protein change: p.Arg679Gln; replaces arginine 679 with glutamine.
Molecular consequence: missense variant.
Genome position (GRCh38, 1-based): chr11:121,545,414, G>A. VCF-style: chr11-121545414-G-A. GRCh37 (hg19) VCF-style: chr11-121416123-G-A.
Other names: short protein forms R679Q.
Identifiers: ClinVar variation 1369509 (VCV001369509.6), dbSNP rs762878538, ClinGen allele CA6328808.